The following is an entry in ClinVar:

NM_206933.4(USH2A):c.4030A>G (p.Met1344Val)

Genes: USH2A (usherin; minus strand), USH2A-AS1 (USH2A antisense RNA 1; plus strand). Cytogenetic location: 1q41.
Variant type: single nucleotide variant.
Coding change: c.4030A>G on transcript NM_206933.4 (MANE Select); coding-DNA position 4030, A replaced by G.
Protein change: p.Met1344Val; replaces methionine 1344 with valine.
Molecular consequence: missense variant.
Genome position (GRCh38, 1-based): chr1:216,198,366, T>C on the plus strand (A>G on the coding strand, the complement: USH2A is on the minus strand). VCF-style: chr1-216198366-T-C. GRCh37 (hg19) VCF-style: chr1-216371708-T-C.
Other names: c.4030A>G, p.Met1344Val (NM_007123.6); short protein forms M1344V.
Identifiers: ClinVar variation 166506 (VCV000166506.17), dbSNP rs727503732, ClinGen allele CA179566.

ClinVar aggregate classification (germline): Conflicting classifications of pathogenicity. Review status: criteria provided, conflicting classifications (1 of 4 stars). 4 submissions from 4 submitters: Uncertain significance (1); Likely benign (3). Last evaluated 2026-01-17.

Conditions:
USH2A-related disorder. Also called: USH2A-related condition; USH2A-related disorders. Identifiers: MedGen CN239332.
Retinal dystrophy. Also called: Inherited retinal dystrophy. Identifiers: Orphanet 71862, MedGen C0854723, MeSH D058499, MONDO:0019118, HP:0000556.

Allele frequency attached by ClinVar (database versions not stated): gnomAD exomes 0.00002 and 0.00013; gnomAD 0.00006; TOPMed 0.00006; ExAC 0.00016.

Submissions (4):

Labcorp Genetics (formerly Invitae), Labcorp
Classification: Likely benign. Last evaluated: 2026-01-17. Review status: criteria provided, single submitter. Criteria: Invitae Variant Classification Sherloc (09022015). Collection method: clinical testing. Allele origin: germline.

PreventionGenetics, part of Exact Sciences
Classification: Likely benign for USH2A-related condition. Last evaluated: 2025-01-23. Review status: criteria provided, single submitter. Criteria: ACMG Guidelines, 2015. Collection method: clinical testing. Allele origin: germline.
Comment: This variant is classified as likely benign based on ACMG/AMP sequence variant interpretation guidelines (Richards et al. 2015 PMID: 25741868, with internal and published modifications).

Dept Of Ophthalmology, Nagoya University
Classification: Likely benign for Retinal dystrophy. Last evaluated: 2023-10-01. Review status: criteria provided, single submitter. Criteria: Submitter's publication. Collection method: research. Allele origin: germline. Affected: yes.

Laboratory for Molecular Medicine, Mass General Brigham Personalized Medicine
Classification: Uncertain significance. Last evaluated: 2014-06-27. Review status: criteria provided, single submitter. Criteria: LMM Criteria. Collection method: clinical testing. Allele origin: germline. Observed: 1 variant allele.
Comment: Variant classified as Uncertain Significance - Favor Benign. The Met1244Val vari ant in USH2A has not been previously reported in individuals with hearing loss a nd was absent from large population studies. Methionine (Met) at position 1344 i s not conserved in mammals or evolutionarily distant species and two mammals (gu inea pig, pika) carry a valine (val), raising the possibility that this change m ay be tolerated. Additional computational prediction tools do not provide strong support for or against an impact to the protein. In summary, while the clinical significance of the Met1244Val variant is uncertain, the lack of evolutionary c onservation suggest that is more likely to be benign.